The following is an entry in ClinVar:

ClinVar aggregate classification (germline): Pathogenic (1 of 4 stars; one submission).

Submission:

Labcorp Genetics (formerly Invitae), Labcorp
Classification: Pathogenic. Last evaluated: 2025-11-24. Review status: criteria provided, single submitter. Criteria: Invitae Variant Classification Sherloc (09022015). Collection method: clinical testing. Allele origin: germline.
Comment: This sequence change creates a premature translational stop signal (p.Gln161Argfs*37) in the LZTR1 gene. It is expected to result in an absent or disrupted protein product. Loss-of-function variants in LZTR1 are known to be pathogenic (PMID: 24362817, 25335493, 25480913, 25795793, 29469822, 30368668, 30442762, 30442766, 30481304, 30859559). This variant is not present in population databases (gnomAD no frequency). This variant has not been reported in the literature in individuals affected with LZTR1-related conditions. For these reasons, this variant has been classified as Pathogenic.

Literature cited by the submitters: PubMed 24362817; PubMed 25335493; PubMed 25480913; PubMed 25795793; PubMed 29469822; PubMed 30368668; PubMed 30442762; PubMed 30442766; PubMed 30481304; PubMed 30859559.

NM_006767.4(LZTR1):c.482_488del (p.Gln161fs)

Gene: LZTR1 (leucine zipper like post translational regulator 1; plus strand). Cytogenetic location: 22q11.21.
Variant type: Deletion.
Coding change: c.482_488del on transcript NM_006767.4 (MANE Select); coding-DNA positions 482 to 488, 7 bases deleted (AGTGGAC; older notation c.482_488delAGTGGAC).
Protein change: p.Gln161fs; shifts the reading frame from glutamine 161.
Molecular consequence: frameshift variant.
Genome position (GRCh38, 1-based): chr22:20,988,091-20,988,097, AGTGGAC deleted; deleting any 7 consecutive bases within chr22:20,988,090-20,988,097 gives the same sequence; the c. name uses the placement nearest the transcript's 3' end. VCF-style (leftmost placement, unchanged base first): chr22-20988089-CCAGTGGA-C. GRCh37 (hg19) VCF-style: chr22-21342378-CCAGTGGA-C.
Other names: short protein forms Q161fs.
Identifiers: ClinVar variation 4725980 (VCV004725980.1).